The following is an entry in ClinVar:

NM_001134363.3(RBM20):c.2971T>C (p.Cys991Arg)

Gene: RBM20 (RNA binding motif protein 20; plus strand). Cytogenetic location: 10q25.2.
Variant type: single nucleotide variant.
Coding change: c.2971T>C on transcript NM_001134363.3 (MANE Select); coding-DNA position 2971, T replaced by C.
Protein change: p.Cys991Arg; replaces cysteine 991 with arginine.
Molecular consequence: missense variant.
Genome position (GRCh38, 1-based): chr10:110,821,590, T>C. VCF-style: chr10-110821590-T-C. GRCh37 (hg19) VCF-style: chr10-112581348-T-C.
Other names: short protein forms C991R.
Identifiers: ClinVar variation 1384350 (VCV001384350.8), dbSNP rs2135121541, ClinGen allele CA378378682.

ClinVar aggregate classification (germline): Uncertain significance (1 of 4 stars; one submission).

Conditions:
Dilated cardiomyopathy 1DD (CMD1DD). Identifiers: Orphanet 154, MedGen C2750995, MONDO:0013168, OMIM 613172.

Submission:

Labcorp Genetics (formerly Invitae), Labcorp
Classification: Uncertain significance for Dilated cardiomyopathy 1DD. Last evaluated: 2020-11-17. Review status: criteria provided, single submitter. Criteria: Invitae Variant Classification Sherloc (09022015). Collection method: clinical testing. Allele origin: germline.
Comment: Advanced modeling of protein sequence and biophysical properties (such as structural, functional, and spatial information, amino acid conservation, physicochemical variation, residue mobility, and thermodynamic stability) performed at Invitae indicates that this missense variant is not expected to disrupt RBM20 protein function. In summary, the available evidence is currently insufficient to determine the role of this variant in disease. Therefore, it has been classified as a Variant of Uncertain Significance. This variant has not been reported in the literature in individuals with RBM20-related conditions. This variant is not present in population databases (ExAC no frequency). This sequence change replaces cysteine with arginine at codon 991 of the RBM20 protein (p.Cys991Arg). The cysteine residue is highly conserved and there is a large physicochemical difference between cysteine and arginine.